The following is an entry in ClinVar:

ClinVar aggregate classification (germline): Uncertain significance (1 of 4 stars; one submission).

Conditions:
GNAS-related disorder. Identifiers: MedGen CN380105.

Submission:

PreventionGenetics, part of Exact Sciences
Classification: Uncertain significance for GNAS-related condition. Last evaluated: 2025-05-17. Review status: criteria provided, single submitter. Criteria: ACMG Guidelines, 2015. Collection method: clinical testing. Allele origin: germline.
Comment: The GNAS c.508C>G variant is predicted to result in the amino acid substitution p.Gln170Glu. To our knowledge, this variant has not been reported in the literature or in a large population database (gnomAD), indicating this variant is rare. At this time, the clinical significance of this variant is uncertain due to the absence of conclusive functional and genetic evidence.

NM_000516.7(GNAS):c.508C>G (p.Gln170Glu)

Gene: GNAS (GNAS complex locus; plus strand). Cytogenetic location: 20q13.32.
Variant type: single nucleotide variant.
Coding change: c.508C>G on transcript NM_000516.7 (MANE Select); coding-DNA position 508, C replaced by G.
Protein change: p.Gln170Glu; replaces glutamine 170 with glutamic acid.
Molecular consequence: missense variant. On other transcripts: 3 prime UTR variant (2).
Genome position (GRCh38, 1-based): chr20:58,905,458, C>G. VCF-style: chr20-58905458-C-G. GRCh37 (hg19) VCF-style: chr20-57480513-C-G.
Other names: c.511C>G, p.Gln171Glu (NM_001077488.5); c.463C>G, p.Gln155Glu (NM_001077489.4); c.*369C>G (NM_001077490.3); c.331C>G, p.Gln111Glu (NM_001309840.2, NM_001309861.2, NM_001438276.1 and 1 more transcripts); c.412C>G, p.Gln138Glu (NM_001410912.1); c.2392C>G, p.Gln798Glu (NM_001410913.1); c.286C>G, p.Gln96Glu (NM_001438273.1, NM_001438274.1, NM_001438275.1); c.*414C>G (NM_016592.5); and 2 more; short protein forms Q138E, Q798E, Q96E, Q111E, Q156E, Q155E, Q170E, Q171E.
Identifiers: ClinVar variation 4996751 (VCV004996751.1).